The following is an entry in ClinVar:

NM_000163.5(GHR):c.1205A>T (p.Asn402Ile)

Gene: GHR (growth hormone receptor; plus strand). Cytogenetic location: 5p12.
Variant type: single nucleotide variant.
Coding change: c.1205A>T on transcript NM_000163.5 (MANE Select); coding-DNA position 1205, A replaced by T.
Protein change: p.Asn402Ile; replaces asparagine 402 with isoleucine.
Molecular consequence: missense variant. On other transcripts: 3 prime UTR variant (1).
Genome position (GRCh38, 1-based): chr5:42,718,712, A>T. VCF-style: chr5-42718712-A-T. GRCh37 (hg19) VCF-style: chr5-42718814-A-T.
Other names: c.1226A>T, p.Asn409Ile (NM_001242399.2); c.1205A>T, p.Asn402Ile (NM_001242400.2, NM_001242401.4, NM_001242402.2 and 4 more transcripts); c.1139A>T, p.Asn380Ile (NM_001242460.2); c.*247A>T (NM_001242462.1); short protein forms N402I, N380I, N409I.
Identifiers: ClinVar variation 3520091 (VCV003520091.3).

ClinVar aggregate classification (germline): Uncertain significance. Review status: criteria provided, multiple submitters, no conflicts (2 of 4 stars). 2 submissions from 2 submitters: Uncertain significance (2). Last evaluated 2025-01-06.

Conditions:
Inborn genetic diseases. Identifiers: MedGen C0950123, MeSH D030342.

gnomAD v4.1: 122 of 1,614,232 alleles (0.0076%); highest among the groups gnomAD compares: Non-Finnish European, 0.01%; no homozygotes.

Submissions (2):

Labcorp Genetics (formerly Invitae), Labcorp
Classification: Uncertain significance. Last evaluated: 2025-01-06. Review status: criteria provided, single submitter. Criteria: Invitae Variant Classification Sherloc (09022015). Collection method: clinical testing. Allele origin: germline.
Comment: This sequence change replaces asparagine, which is neutral and polar, with isoleucine, which is neutral and non-polar, at codon 402 of the GHR protein (p.Asn402Ile). This variant is present in population databases (rs367760905, gnomAD 0.004%). This variant has not been reported in the literature in individuals affected with GHR-related conditions. Invitae Evidence Modeling of protein sequence and biophysical properties (such as structural, functional, and spatial information, amino acid conservation, physicochemical variation, residue mobility, and thermodynamic stability) indicates that this missense variant is not expected to disrupt GHR protein function with a negative predictive value of 95%. In summary, the available evidence is currently insufficient to determine the role of this variant in disease. Therefore, it has been classified as a Variant of Uncertain Significance.

Ambry Genetics
Classification: Uncertain significance for Inborn genetic diseases. Last evaluated: 2024-11-08. Review status: criteria provided, single submitter. Criteria: Ambry Variant Classification Scheme 2023. Collection method: clinical testing. Allele origin: germline.